The following is an entry in ClinVar:

ClinVar aggregate classification (germline): Uncertain significance (1 of 4 stars; one submission).

Conditions:
Charcot-Marie-Tooth disease axonal type 2F (CMT2F). Also called: Charcot-Marie-Tooth Neuropathy Type 2F; CHARCOT-MARIE-TOOTH DISEASE, NEURONAL, TYPE 2F. Identifiers: Orphanet 99940, MedGen C1847823, MONDO:0011687, OMIM 606595.

Submission:

Labcorp Genetics (formerly Invitae), Labcorp
Classification: Uncertain significance for Charcot-Marie-Tooth disease axonal type 2F. Last evaluated: 2024-09-17. Review status: criteria provided, single submitter. Criteria: Invitae Variant Classification Sherloc (09022015). Collection method: clinical testing. Allele origin: germline.
Comment: This sequence change replaces glutamine, which is neutral and polar, with lysine, which is basic and polar, at codon 31 of the HSPB1 protein (p.Gln31Lys). This variant is not present in population databases (gnomAD no frequency). This variant has not been reported in the literature in individuals affected with HSPB1-related conditions. Invitae Evidence Modeling of protein sequence and biophysical properties (such as structural, functional, and spatial information, amino acid conservation, physicochemical variation, residue mobility, and thermodynamic stability) has been performed for this missense variant. However, the output from this modeling did not meet the statistical confidence thresholds required to predict the impact of this variant on HSPB1 protein function. In summary, the available evidence is currently insufficient to determine the role of this variant in disease. Therefore, it has been classified as a Variant of Uncertain Significance.

NM_001540.5(HSPB1):c.91C>A (p.Gln31Lys)

Gene: HSPB1 (heat shock protein family B (small) member 1; plus strand). Cytogenetic location: 7q11.23.
Variant type: single nucleotide variant.
Coding change: c.91C>A on transcript NM_001540.5 (MANE Select); coding-DNA position 91, C replaced by A.
Protein change: p.Gln31Lys; replaces glutamine 31 with lysine.
Molecular consequence: missense variant.
Genome position (GRCh38, 1-based): chr7:76,302,803, C>A. VCF-style: chr7-76302803-C-A. GRCh37 (hg19) VCF-style: chr7-75932120-C-A.
Other names: short protein forms Q31K.
Identifiers: ClinVar variation 3717714 (VCV003717714.2).